The following is an entry in ClinVar:

ClinVar aggregate classification (germline): Benign. Review status: reviewed by expert panel (3 of 4 stars). 20 submissions from 17 submitters: Benign (1). 19 of the submissions do not count toward it. Last evaluated 2017-04-03.

Conditions:
Cardiovascular phenotype. Identifiers: MedGen CN230736.
RASopathy. Also called: rasopathies; Noonan spectrum disorder. Identifiers: Orphanet 536391, MedGen C5555857, MONDO:0021060.
LEOPARD syndrome 1 (LPRD1). Also called: LENTIGINOSIS, CARDIOMYOPATHIC; MULTIPLE LENTIGINES SYNDROME; PTPN11-Related LEOPARD Syndrome. Identifiers: Orphanet 500, MedGen C4551484, MONDO:0100082, OMIM 151100.
Metachondromatosis (METCDS). Identifiers: Orphanet 2499, MedGen C0410530, MONDO:0007979, OMIM 156250.
Noonan syndrome 1 (NS1). Also called: FEMALE PSEUDO-TURNER SYNDROME; TURNER PHENOTYPE WITH NORMAL KARYOTYPE; PTPN11-Related Noonan Syndrome. Identifiers: Orphanet 648, MedGen C4551602, MONDO:0008104, OMIM 163950. Disease mechanism: gain of function.
Juvenile myelomonocytic leukemia (JMML). Also called: LEUKEMIA, JUVENILE MYELOMONOCYTIC, SOMATIC. Identifiers: Orphanet 86834, MedGen C0349639, MONDO:0011908, OMIM 607785, HP:0012209.

Allele frequency attached by ClinVar (database versions not stated): TOPMed 0.01173; gnomAD exomes 0.01341 and 0.01003; 1000 Genomes Project 30x 0.00578; 1000 Genomes Project 0.00599; ESP Exome Variant Server 0.00923; ExAC 0.00976; gnomAD 0.01021 and 0.01035.
gnomAD v4.1: 21,139 of 1,613,374 alleles (1.3%); highest among the groups gnomAD compares: Admixed American, 1.6%; 164 homozygotes.

Submissions (20):

ClinGen RASopathy Variant Curation Expert Panel
Classification: Benign for Noonan syndrome and Noonan-related syndrome. Last evaluated: 2017-04-03. Review status: reviewed by expert panel. Criteria: ClinGen RASopathy ACMG Specifications v1. Collection method: curation. Allele origin: germline. Inheritance: Autosomal dominant inheritance.
Comment: The filtering allele frequency of the c.525+12G>C variant in the PTPN11 gene is 1.4% for European (Non-Finnish) chromosomes by the Exome Aggregation Consortium (969/66644 with 95% CI), which is a high enough frequency to be classified as benign based on thresholds defined by the ClinGen RASopathy Expert panel for autosomal dominant RASopathy variants (BA1). Additional case level data available: SCV000057399.8; SCV000061311.5; SCV000248623.2; SCV000206755.1; SCV000207666.1.

Labcorp Genetics (formerly Invitae), Labcorp
Classification: Benign for RASopathy. Last evaluated: 2026-02-03. Review status: criteria provided, single submitter. Criteria: Invitae Variant Classification Sherloc (09022015). Collection method: clinical testing. Allele origin: germline. Not counted in ClinVar's aggregate classification.

ARUP Laboratories, Molecular Genetics and Genomics, ARUP Laboratories
Classification: Benign. Last evaluated: 2025-07-23. Review status: criteria provided, single submitter. Criteria: ARUP Molecular Germline Variant Investigation Process 2024. Collection method: clinical testing. Allele origin: germline. Not counted in ClinVar's aggregate classification.

KCCC/NGS Laboratory, Kuwait Cancer Control Center
Classification: Benign for Metachondromatosis. Last evaluated: 2025-02-01. Review status: criteria provided, single submitter. Criteria: ACMG Guidelines, 2015. Collection method: clinical testing. Allele origin: germline. Affected: no. Not counted in ClinVar's aggregate classification.

Blueprint Genetics
Classification: Likely benign. Last evaluated: 2024-11-27. Review status: criteria provided, single submitter. Criteria: ACMG Guidelines, 2015. Collection method: clinical testing. Allele origin: germline. Not counted in ClinVar's aggregate classification.

KCCC/NGS Laboratory, Kuwait Cancer Control Center
Classification: Benign for Juvenile myelomonocytic leukemia. Last evaluated: 2023-07-07. Review status: criteria provided, single submitter. Criteria: ACMG Guidelines, 2015. Collection method: clinical testing. Allele origin: germline. Affected: yes. Not counted in ClinVar's aggregate classification.

Illumina Laboratory Services, Illumina
Classification: Likely benign for Noonan syndrome 1. Last evaluated: 2018-01-13. Review status: criteria provided, single submitter. Criteria: ICSL Variant Classification Criteria 13 December 2019. Collection method: clinical testing. Allele origin: germline. Not counted in ClinVar's aggregate classification.
Comment: This variant was observed in the ICSL laboratory as part of a predisposition screen in an ostensibly healthy population. It had not been previously curated by ICSL or reported in the Human Gene Mutation Database (HGMD: prior to June 1st, 2018), and was therefore a candidate for classification through an automated scoring system. Utilizing variant allele frequency, disease prevalence and penetrance estimates, and inheritance mode, an automated score was calculated to assess if this variant is too frequent to cause the disease. Based on the score and internal cut-off values, a variant classified as likely benign is not then subjected to further curation. The score for this variant resulted in a classification of likely benign for this disease.

Illumina Laboratory Services, Illumina
Classification: Benign for LEOPARD syndrome 1. Last evaluated: 2018-01-13. Review status: criteria provided, single submitter. Criteria: ICSL Variant Classification Criteria 13 December 2019. Collection method: clinical testing. Allele origin: germline. Not counted in ClinVar's aggregate classification.
Comment: This variant was observed in the ICSL laboratory as part of a predisposition screen in an ostensibly healthy population. It had not been previously curated by ICSL or reported in the Human Gene Mutation Database (HGMD: prior to June 1st, 2018), and was therefore a candidate for classification through an automated scoring system. Utilizing variant allele frequency, disease prevalence and penetrance estimates, and inheritance mode, an automated score was calculated to assess if this variant is too frequent to cause the disease. Based on the score and internal cut-off values, a variant classified as benign is not then subjected to further curation. The score for this variant resulted in a classification of benign for this disease.

Illumina Laboratory Services, Illumina
Classification: Benign for Metachondromatosis. Last evaluated: 2018-01-13. Review status: criteria provided, single submitter. Criteria: ICSL Variant Classification Criteria 13 December 2019. Collection method: clinical testing. Allele origin: germline. Not counted in ClinVar's aggregate classification.
Comment: the same text as in the submission from Illumina Laboratory Services, Illumina above.

Genetic Services Laboratory, University of Chicago
Classification: Benign. Last evaluated: 2016-10-19. Review status: criteria provided, single submitter. Criteria: ACMG Guidelines, 2015. Collection method: clinical testing. Allele origin: germline. Affected: no. Not counted in ClinVar's aggregate classification.

GeneDx
Classification: Benign. Last evaluated: 2016-06-03. Review status: criteria provided, single submitter. Criteria: GeneDx Variant Classification (06012015). Collection method: clinical testing. Allele origin: germline. Affected: yes. Not counted in ClinVar's aggregate classification.
Comment: This variant is considered likely benign or benign based on one or more of the following criteria: it is a conservative change, it occurs at a poorly conserved position in the protein, it is predicted to be benign by multiple in silico algorithms, and/or has population frequency not consistent with disease.

Ambry Genetics
Classification: Benign for Cardiovascular phenotype. Last evaluated: 2014-12-08. Review status: criteria provided, single submitter. Criteria: Ambry Variant Classification Scheme 2023. Collection method: clinical testing. Allele origin: germline. Not counted in ClinVar's aggregate classification.

Laboratory for Molecular Medicine, Mass General Brigham Personalized Medicine
Classification: Benign. Last evaluated: 2006-10-28. Review status: criteria provided, single submitter. Criteria: LMM Criteria. Collection method: clinical testing. Allele origin: germline. Observed: 47 variant alleles. Not counted in ClinVar's aggregate classification.

Breakthrough Genomics
Classification: Benign. Review status: criteria provided, single submitter. Criteria: ACMG Guidelines, 2015. Collection method: not provided. Allele origin: germline. Inheritance: Autosomal dominant inheritance. Affected: yes. Not counted in ClinVar's aggregate classification.

PreventionGenetics, part of Exact Sciences
Classification: Benign. Review status: criteria provided, single submitter. Criteria: ACMG Guidelines, 2015. Collection method: clinical testing. Allele origin: germline. Not counted in ClinVar's aggregate classification.

Greenwood Genetic Center Diagnostic Laboratories, Greenwood Genetic Center
Classification: Benign. Last evaluated: 2015-01-15. Review status: no assertion criteria provided. Collection method: clinical testing. Allele origin: germline. Not counted in ClinVar's aggregate classification.

Clinical Genetics, Academic Medical Center
Classification: Benign. Review status: no assertion criteria provided. Collection method: clinical testing. Allele origin: germline. Affected: yes. Study: VKGL Data-share Consensus. Not counted in ClinVar's aggregate classification.

Genome Diagnostics Laboratory, Amsterdam University Medical Center
Classification: Benign. Review status: no assertion criteria provided. Collection method: clinical testing. Allele origin: germline. Affected: yes. Study: VKGL Data-share Consensus. Not counted in ClinVar's aggregate classification.

Genome Diagnostics Laboratory, University Medical Center Utrecht
Classification: Likely benign. Review status: no assertion criteria provided. Collection method: clinical testing. Allele origin: germline. Affected: yes. Study: VKGL Data-share Consensus. Not counted in ClinVar's aggregate classification.

Joint Genome Diagnostic Labs from Nijmegen and Maastricht, Radboudumc and MUMC+
Classification: Benign. Review status: no assertion criteria provided. Collection method: clinical testing. Allele origin: germline. Affected: yes. Study: VKGL Data-share Consensus. Not counted in ClinVar's aggregate classification.

Literature cited by the submitters: PubMed 11992261 (cited by Laboratory for Molecular Medicine, Mass General Brigham Personalized Medicine).

NM_002834.5(PTPN11):c.525+12G>C

Gene: PTPN11 (protein tyrosine phosphatase non-receptor type 11; plus strand). Cytogenetic location: 12q24.13.
Variant type: single nucleotide variant.
Coding change: c.525+12G>C on transcript NM_002834.5 (MANE Select); 12 bases into the intron after coding-DNA position 525, G replaced by C.
Molecular consequence: intron variant.
Genome position (GRCh38, 1-based): chr12:112,453,399, G>C. VCF-style: chr12-112453399-G-C. GRCh37 (hg19) VCF-style: chr12-112891203-G-C.
Other names: c.525+12G>C (NM_002834.4, NM_001330437.2, NM_080601.3); c.522+12G>C (NM_001374625.1).
Identifiers: ClinVar variation 40516 (VCV000040516.41), dbSNP rs41304351, ClinGen allele CA134671.